The following is an entry in ClinVar:

ClinVar aggregate classification (germline): Likely pathogenic (1 of 4 stars; one submission).

Conditions:
Inborn genetic diseases. Identifiers: MedGen C0950123, MeSH D030342.

Submission:

Ambry Genetics
Classification: Likely pathogenic for Inborn genetic diseases. Last evaluated: 2024-05-01. Review status: criteria provided, single submitter. Criteria: Ambry Variant Classification Scheme 2023. Collection method: clinical testing. Allele origin: germline.
Comment: The c.1310C>T (p.T437I) alteration is located in exon 14 (coding exon 14) of the POLR3B gene. This alteration results from a C to T substitution at nucleotide position 1310, causing the threonine (T) at amino acid position 437 to be replaced by an isoleucine (I). for autosomal dominant POLR3B-related Charcot Marie Tooth disease type 1; however, its clinical significance for autosomal recessive POLR3B-related hypomyelinating leukodystrophy is uncertain. This variant was not reported in population-based cohorts in the Genome Aggregation Database (gnomAD). This amino acid position is highly conserved in available vertebrate species. This alteration is predicted to be deleterious by in silico analysis. Based on the available evidence, this alteration is classified as likely pathogenic.

NM_018082.6(POLR3B):c.1310C>T (p.Thr437Ile)

Gene: POLR3B (RNA polymerase III subunit B; plus strand). Cytogenetic location: 12q23.3.
Variant type: single nucleotide variant.
Coding change: c.1310C>T on transcript NM_018082.6 (MANE Select); coding-DNA position 1310, C replaced by T.
Protein change: p.Thr437Ile; replaces threonine 437 with isoleucine.
Molecular consequence: missense variant.
Genome position (GRCh38, 1-based): chr12:106,430,319, C>T. VCF-style: chr12-106430319-C-T. GRCh37 (hg19) VCF-style: chr12-106824097-C-T.
Other names: c.1136C>T, p.Thr379Ile (NM_001160708.2); short protein forms T379I, T437I.
Identifiers: ClinVar variation 3308821 (VCV003308821.1).